The following is an entry in ClinVar:

ClinVar aggregate classification (germline): Uncertain significance (0 of 4 stars; one submission).

Conditions:
SERPIND1-related disorder. Also called: SERPIND1-related condition.

Submission:

PreventionGenetics, part of Exact Sciences
Classification: Uncertain significance for SERPIND1-related condition. Last evaluated: 2024-08-31. Review status: no assertion criteria provided. Collection method: clinical testing. Allele origin: germline.
Comment: The SERPIND1 c.990dupG variant is predicted to result in a frameshift and premature protein termination (p.Asn331Glufs*7). To our knowledge, this variant has not been reported in the literature or in a large population database, indicating this variant is rare. Currently loss-of-function is not an established mechanism of disease. Although we suspect that this variant may be pathogenic, at this time, the clinical significance of this variant is uncertain due to the absence of conclusive functional and genetic evidence.

NM_000185.4(SERPIND1):c.990dup (p.Asn331fs)

Genes: PI4KA (phosphatidylinositol 4-kinase alpha; minus strand), SERPIND1 (serpin family D member 1; plus strand). Cytogenetic location: 22q11.21.
Variant type: Duplication.
Coding change: c.990dup on transcript NM_000185.4 (MANE Select); coding-DNA position 990, one base duplicated (G; older notation c.990dupG).
Protein change: p.Asn331fs; shifts the reading frame from asparagine 331.
Molecular consequence: frameshift variant. On other transcripts: intron variant (3).
Genome position (GRCh38, 1-based): chr22:20,784,072, G duplicated; the last of 4 consecutive G bases (chr22:20,784,069-20,784,072); duplicating any one gives the same sequence. VCF-style (leftmost placement, unchanged base first): chr22-20784068-A-AG. GRCh37 (hg19) VCF-style: chr22-21138356-A-AG.
Other names: c.2262+9124dup (NM_001362863.2); c.2328+9124dup (NM_001362862.2, NM_058004.4); short protein forms N331fs.
Identifiers: ClinVar variation 3346256 (VCV003346256.1).
Genomic context (GRCh38, chr22:20,784,068, plus strand): 5'-ACAACCACAACTTCCGGCTGAATGAGAGAGAGGTAGTTAAGGTTTCCATGATGCAGACCA[A>AG]GGGGAACTTCCTCGCAGCAAATGACCAGGAGCTGGACTGCGACATCCTCCAGCTGGAATA-3'